The following is an entry in ClinVar:

ClinVar aggregate classification (germline): Pathogenic (1 of 4 stars; one submission).

Conditions:
Duchenne muscular dystrophy (DMD). Also called: MUSCULAR DYSTROPHY, PSEUDOHYPERTROPHIC PROGRESSIVE, DUCHENNE TYPE; Duchenne Muscular Dystrophy (DMD). Identifiers: Orphanet 98896, MedGen C0013264, MONDO:0010679, OMIM 310200.

Submission:

Labcorp Genetics (formerly Invitae), Labcorp
Classification: Pathogenic for Duchenne muscular dystrophy. Last evaluated: 2020-09-17. Review status: criteria provided, single submitter. Criteria: Invitae Variant Classification Sherloc (09022015). Collection method: clinical testing. Allele origin: germline.
Comment: For these reasons, this variant has been classified as Pathogenic. Loss-of-function variants in DMD are known to be pathogenic (PMID: 16770791, 25007885). This variant has not been reported in the literature in individuals with DMD-related conditions. This variant is not present in population databases (ExAC no frequency). This sequence change creates a premature translational stop signal (p.Glu973*) in the DMD gene. It is expected to result in an absent or disrupted protein product.

Literature cited by the submitters: PubMed 16770791; PubMed 25007885.

NM_004006.3(DMD):c.2917G>T (p.Glu973Ter)

Gene: DMD (dystrophin; minus strand). Cytogenetic location: Xp21.1.
Variant type: single nucleotide variant.
Coding change: c.2917G>T on transcript NM_004006.3 (MANE Select); coding-DNA position 2917, G replaced by T.
Protein change: p.Glu973Ter; replaces glutamic acid 973 with a stop codon.
Molecular consequence: nonsense.
Genome position (GRCh38, 1-based): chrX:32,472,196, C>A on the plus strand (G>T on the coding strand, the complement: DMD is on the minus strand). VCF-style: chrX-32472196-C-A. GRCh37 (hg19) VCF-style: chrX-32490313-C-A.
Other names: c.2893G>T, p.Glu965Ter (NM_000109.4); c.2905G>T, p.Glu969Ter (NM_004009.3); c.2548G>T, p.Glu850Ter (NM_004010.3); short protein forms E850*, E965*, E969*, E973*.
Identifiers: ClinVar variation 1073408 (VCV001073408.7), dbSNP rs2148484887, ClinGen allele CA412667914.